The following is an entry in ClinVar:

ClinVar aggregate classification (germline): Benign. Review status: criteria provided, multiple submitters, no conflicts (2 of 4 stars). 8 submissions from 8 submitters: Benign (6). 2 of the submissions do not count toward it. Last evaluated 2026-02-04.

Conditions:
Episodic pain syndrome, familial, 2 (FEPS2). Identifiers: Orphanet 306577, MedGen C3809893, MONDO:0014246, OMIM 615551.
Brugada syndrome. Also called: Sudden unexpected nocturnal death syndrome; Sudden unexplained nocturnal death syndrome; Sudden Unexplained Death Syndrome; Sudden Unexplained Nocturnal Death Syndrome (SUNDS). Identifiers: Orphanet 130, MedGen C1142166, MONDO:0015263.

Allele frequency attached by ClinVar (database versions not stated): gnomAD exomes 0.29221 and 0.32709; ESP Exome Variant Server 0.30571; gnomAD 0.30982 and 0.31487; TOPMed 0.31940; ExAC 0.32987; 1000 Genomes Project 30x 0.38117; 1000 Genomes Project 0.38878.
gnomAD v4.1: 473,482 of 1,605,174 alleles (29%); highest among the groups gnomAD compares: East Asian, 69%; 74,792 homozygotes.

Submissions (8):

Labcorp Genetics (formerly Invitae), Labcorp
Classification: Benign for Brugada syndrome. Last evaluated: 2026-02-04. Review status: criteria provided, single submitter. Criteria: Invitae Variant Classification Sherloc (09022015). Collection method: clinical testing. Allele origin: germline.

Women's Health and Genetics/Laboratory Corporation of America, LabCorp
Classification: Benign. Last evaluated: 2023-04-04. Review status: criteria provided, single submitter. Criteria: LabCorp Variant Classification Summary - May 2015. Collection method: clinical testing. Allele origin: germline.

Genome-Nilou Lab
Classification: Benign for Episodic pain syndrome, familial, 2. Last evaluated: 2021-07-15. Review status: criteria provided, single submitter. Criteria: ACMG Guidelines, 2015. Collection method: clinical testing. Allele origin: germline. Affected: no.

GeneDx
Classification: Benign. Last evaluated: 2016-09-21. Review status: criteria provided, single submitter. Criteria: GeneDx Variant Classification (06012015). Collection method: clinical testing. Allele origin: germline. Affected: yes.
Comment: This variant is considered likely benign or benign based on one or more of the following criteria: it is a conservative change, it occurs at a poorly conserved position in the protein, it is predicted to be benign by multiple in silico algorithms, and/or has population frequency not consistent with disease.

Breakthrough Genomics
Classification: Benign. Review status: criteria provided, single submitter. Criteria: ACMG Guidelines, 2015. Collection method: not provided. Allele origin: germline. Inheritance: Autosomal dominant inheritance. Affected: yes.

PreventionGenetics, part of Exact Sciences
Classification: Benign. Review status: criteria provided, single submitter. Criteria: ACMG Guidelines, 2015. Collection method: clinical testing. Allele origin: germline.

Clinical Genetics, Academic Medical Center
Classification: Benign. Review status: no assertion criteria provided. Collection method: clinical testing. Allele origin: germline. Affected: yes. Study: VKGL Data-share Consensus. Not counted in ClinVar's aggregate classification.

Joint Genome Diagnostic Labs from Nijmegen and Maastricht, Radboudumc and MUMC+
Classification: Benign. Review status: no assertion criteria provided. Collection method: clinical testing. Allele origin: germline. Affected: yes. Study: VKGL Data-share Consensus. Not counted in ClinVar's aggregate classification.

NM_006514.4(SCN10A):c.884-13T>C

Gene: SCN10A (sodium voltage-gated channel alpha subunit 10; minus strand). Cytogenetic location: 3p22.2.
Variant type: single nucleotide variant.
Coding change: c.884-13T>C on transcript NM_006514.4 (MANE Select); 13 bases into the intron before coding-DNA position 884, T replaced by C.
Molecular consequence: intron variant.
Genome position (GRCh38, 1-based): chr3:38,760,760, A>G on the plus strand (T>C on the coding strand, the complement: SCN10A is on the minus strand). VCF-style: chr3-38760760-A-G. GRCh37 (hg19) VCF-style: chr3-38802251-A-G.
Other names: c.884-13T>C (NM_006514.3, NM_001293307.2, NM_001293306.2).
Identifiers: ClinVar variation 260000 (VCV000260000.17), dbSNP rs7641844, ClinGen allele CA2321038.